The following is an entry in ClinVar:

ClinVar aggregate classification (germline): Uncertain significance. Review status: criteria provided, multiple submitters, no conflicts (2 of 4 stars). 3 submissions from 3 submitters: Uncertain significance (3). Last evaluated 2024-04-05.

Conditions:
RTEL1-related disorder. Also called: RTEL1-related disorders; RTEL1-related condition.
Pulmonary fibrosis and/or bone marrow failure, Telomere-related, 3. Also called: PULMONARY FIBROSIS AND/OR BONE MARROW FAILURE SYNDROME, TELOMERE-RELATED, 3. Identifiers: Orphanet 2032, MedGen C4225346, MONDO:0014613, OMIM 616373.
Dyskeratosis congenita, autosomal recessive 5 (DKCB5). Identifiers: MedGen C3554656, MONDO:0014076, OMIM 615190.

Allele frequency attached by ClinVar (database versions not stated): TOPMed below 0.00001; ESP Exome Variant Server 0.00008.
gnomAD v4.1: 10 of 1,612,658 alleles (0.00062%); highest among the groups gnomAD compares: Non-Finnish European, 0.00076%; no homozygotes.

Submissions (3):

GeneDx
Classification: Uncertain significance. Last evaluated: 2024-04-05. Review status: criteria provided, single submitter. Criteria: GeneDx Variant Classification Process June 2021. Collection method: clinical testing. Allele origin: germline. Affected: yes.
Comment: Not observed at significant frequency in large population cohorts (gnomAD); In silico analysis supports that this missense variant has a deleterious effect on protein structure/function; Has not been previously published as pathogenic or benign to our knowledge

PreventionGenetics, part of Exact Sciences
Classification: Uncertain significance for RTEL1-related condition. Last evaluated: 2022-12-29. Review status: criteria provided, single submitter. Criteria: ACMG Guidelines, 2015. Collection method: clinical testing. Allele origin: germline.
Comment: The RTEL1 c.2827C>G variant is predicted to result in the amino acid substitution p.Leu943Val. To our knowledge, this variant has not been reported in the literature. This variant is reported in 0.00089% of alleles in individuals of European (Non-Finnish) descent in gnomAD. At this time, the clinical significance of this variant is uncertain due to the absence of conclusive functional and genetic evidence.

Labcorp Genetics (formerly Invitae), Labcorp
Classification: Uncertain significance for Dyskeratosis congenita, autosomal recessive 5; Pulmonary fibrosis and/or bone marrow failure, Telomere-related, 3. Last evaluated: 2022-04-13. Review status: criteria provided, single submitter. Criteria: Invitae Variant Classification Sherloc (09022015). Collection method: clinical testing. Allele origin: germline.
Comment: This sequence change replaces leucine, which is neutral and non-polar, with valine, which is neutral and non-polar, at codon 919 of the RTEL1 protein (p.Leu919Val). This variant is present in population databases (rs376017769, gnomAD 0.0009%). This variant has not been reported in the literature in individuals affected with RTEL1-related conditions. Algorithms developed to predict the effect of missense changes on protein structure and function are either unavailable or do not agree on the potential impact of this missense change (SIFT: "Tolerated"; PolyPhen-2: "Probably Damaging"; Align-GVGD: "Class C0"). In summary, the available evidence is currently insufficient to determine the role of this variant in disease. Therefore, it has been classified as a Variant of Uncertain Significance.

NM_001283009.2(RTEL1):c.2755C>G (p.Leu919Val)

Genes: RTEL1 (regulator of telomere elongation helicase 1; plus strand), RTEL1-TNFRSF6B (RTEL1-TNFRSF6B readthrough (NMD candidate); plus strand). Cytogenetic location: 20q13.33.
Variant type: single nucleotide variant.
Coding change: c.2755C>G on transcript NM_001283009.2 (MANE Select); coding-DNA position 2755, C replaced by G.
Protein change: p.Leu919Val; replaces leucine 919 with valine.
Molecular consequence: missense variant. On other transcripts: non-coding transcript variant (1).
Genome position (GRCh38, 1-based): chr20:63,692,907, C>G. VCF-style: chr20-63692907-C-G. GRCh37 (hg19) VCF-style: chr20-62324260-C-G.
Other names: c.2827C>G (NM_032957.4); c.2086C>G, p.Leu696Val (NM_001283010.1); c.2755C>G, p.Leu919Val (NM_016434.4); c.2827C>G, p.Leu943Val (NM_032957.5); short protein forms L919V, L696V, L943V.
Identifiers: ClinVar variation 2145971 (VCV002145971.3), dbSNP rs376017769, ClinGen allele CA317520650.